The following is an entry in ClinVar:

ClinVar aggregate classification (germline): Uncertain significance. Review status: criteria provided, multiple submitters, no conflicts (2 of 4 stars). 4 submissions from 4 submitters: Uncertain significance (4). Last evaluated 2026-06-27.

Conditions:
Inborn genetic diseases. Identifiers: MedGen C0950123, MeSH D030342.
RMND1-related disorder. Also called: RMND1-related condition.
Combined oxidative phosphorylation defect type 11. Also called: Combined oxidative phosphorylation deficiency 11; ENCEPHALONEUROMYOPATHY, INFANTILE, DUE TO MITOCHONDRIAL TRANSLATION DEFECT. Identifiers: Orphanet 324535, MedGen C5190991, MONDO:0013969, OMIM 614922.

Allele frequency attached by ClinVar (database versions not stated): ESP Exome Variant Server 0.00008.
gnomAD v4.1: 79 of 1,613,628 alleles (0.0049%); highest among the groups gnomAD compares: Non-Finnish European, 0.0061%; no homozygotes.

Submissions (4):

PreventionGenetics, part of Exact Sciences
Classification: Uncertain significance for RMND1-related condition. Last evaluated: 2026-06-27. Review status: criteria provided, single submitter. Criteria: ACMG Guidelines, 2015. Collection method: clinical testing. Allele origin: germline.
Comment: The RMND1 c.1159G>C variant is predicted to result in the amino acid substitution p.Asp387His. To our knowledge, this variant has not been reported in the literature. This variant is reported in 0.0046% of alleles in individuals of European (Non-Finnish) descent in gnomAD. At this time, the clinical significance of this variant is uncertain due to the absence of conclusive functional and genetic evidence.

Labcorp Genetics (formerly Invitae), Labcorp
Classification: Uncertain significance. Last evaluated: 2025-06-12. Review status: criteria provided, single submitter. Criteria: Invitae Variant Classification Sherloc (09022015). Collection method: clinical testing. Allele origin: germline.
Comment: This sequence change replaces aspartic acid, which is acidic and polar, with histidine, which is basic and polar, at codon 387 of the RMND1 protein (p.Asp387His). This variant is present in population databases (rs372096369, gnomAD 0.004%). This variant has not been reported in the literature in individuals affected with RMND1-related conditions. ClinVar contains an entry for this variant (Variation ID: 1496042). Invitae Evidence Modeling of protein sequence and biophysical properties (such as structural, functional, and spatial information, amino acid conservation, physicochemical variation, residue mobility, and thermodynamic stability) indicates that this missense variant is not expected to disrupt RMND1 protein function with a negative predictive value of 80%. In summary, the available evidence is currently insufficient to determine the role of this variant in disease. Therefore, it has been classified as a Variant of Uncertain Significance.

Ambry Genetics
Classification: Uncertain significance for Inborn genetic diseases. Last evaluated: 2024-10-03. Review status: criteria provided, single submitter. Criteria: Ambry Variant Classification Scheme 2023. Collection method: clinical testing. Allele origin: germline.

Fulgent Genetics
Classification: Uncertain significance for Combined oxidative phosphorylation defect type 11. Last evaluated: 2021-10-26. Review status: criteria provided, single submitter. Criteria: ACMG Guidelines, 2015. Collection method: clinical testing. Allele origin: unknown.

NM_017909.4(RMND1):c.1159G>C (p.Asp387His)

Gene: RMND1 (required for meiotic nuclear division 1 homolog; minus strand). Cytogenetic location: 6q25.1.
Variant type: single nucleotide variant.
Coding change: c.1159G>C on transcript NM_017909.4 (MANE Select); coding-DNA position 1159, G replaced by C.
Protein change: p.Asp387His; replaces aspartic acid 387 with histidine.
Molecular consequence: missense variant.
Genome position (GRCh38, 1-based): chr6:151,417,320, C>G on the plus strand (G>C on the coding strand, the complement: RMND1 is on the minus strand). VCF-style: chr6-151417320-C-G. GRCh37 (hg19) VCF-style: chr6-151738455-C-G.
Other names: c.649G>C, p.Asp217His (NM_001271937.2); c.1159G>C (NM_017909.2, NM_017909.3); short protein forms D217H, D387H.
Identifiers: ClinVar variation 1496042 (VCV001496042.9), dbSNP rs372096369, ClinGen allele CA4050792.